The following is an entry in ClinVar:

NM_004655.4(AXIN2):c.107G>A (p.Cys36Tyr)

Gene: AXIN2 (axin 2; minus strand). Cytogenetic location: 17q24.1.
Variant type: single nucleotide variant.
Coding change: c.107G>A on transcript NM_004655.4 (MANE Select); coding-DNA position 107, G replaced by A.
Protein change: p.Cys36Tyr; replaces cysteine 36 with tyrosine.
Molecular consequence: missense variant.
Genome position (GRCh38, 1-based): chr17:65,558,514, C>T on the plus strand (G>A on the coding strand, the complement: AXIN2 is on the minus strand). VCF-style: chr17-65558514-C-T. GRCh37 (hg19) VCF-style: chr17-63554632-C-T.
Other names: c.107G>A, p.Cys36Tyr (NM_001363813.1); c.107G>A (LRG_296t1); short protein forms C36Y.
Identifiers: ClinVar variation 464517 (VCV000464517.11), dbSNP rs1555583751, ClinGen allele CA400682173.

ClinVar aggregate classification (germline): Uncertain significance. Review status: criteria provided, multiple submitters, no conflicts (2 of 4 stars). 2 submissions from 2 submitters: Uncertain significance (2). Last evaluated 2024-02-13.

Conditions:
Hereditary cancer-predisposing syndrome. Also called: Neoplastic Syndromes, Hereditary; Tumor predisposition; Hereditary Cancer Syndrome; Hereditary neoplastic syndrome. Identifiers: Orphanet 140162, MedGen C0027672, MeSH D009386, MONDO:0015356.
Oligodontia-cancer predisposition syndrome. Also called: TOOTH AGENESIS-COLORECTAL CANCER SYNDROME. Identifiers: Orphanet 300576, MedGen C1837750, MONDO:0012075, OMIM 608615. Disease mechanism: loss of function.

Allele frequency attached by ClinVar (database versions not stated): gnomAD exomes below 0.00001.
gnomAD v4.1: 1 of 1,613,634 alleles (0.000062%); highest among the groups gnomAD compares: East Asian, 0.0022%; no homozygotes.

Submissions (2):

Ambry Genetics
Classification: Uncertain significance for Hereditary cancer-predisposing syndrome. Last evaluated: 2024-02-13. Review status: criteria provided, single submitter. Criteria: Ambry Variant Classification Scheme 2023. Collection method: clinical testing. Allele origin: germline.
Comment: The p.C36Y variant (also known as c.107G>A), located in coding exon 1 of the AXIN2 gene, results from a G to A substitution at nucleotide position 107. The cysteine at codon 36 is replaced by tyrosine, an amino acid with highly dissimilar properties. This amino acid position is conserved. In addition, the in silico prediction for this alteration is inconclusive. Based on the available evidence, the clinical significance of this alteration remains unclear.

Labcorp Genetics (formerly Invitae), Labcorp
Classification: Uncertain significance for Oligodontia-cancer predisposition syndrome. Last evaluated: 2021-03-16. Review status: criteria provided, single submitter. Criteria: Invitae Variant Classification Sherloc (09022015). Collection method: clinical testing. Allele origin: germline.
Comment: Algorithms developed to predict the effect of missense changes on protein structure and function do not agree on the potential impact of this missense change (SIFT: "Deleterious"; PolyPhen-2: "Possibly Damaging"; Align-GVGD: "Class C0"). In summary, this variant has uncertain impact on AXIN2 function. The available evidence is currently insufficient to determine its role in disease. Therefore, it has been classified as a Variant of Uncertain Significance. This variant has not been reported in the literature in individuals with a AXIN2-related disease. This variant is not present in population databases (ExAC no frequency). This sequence change replaces cysteine with tyrosine at codon 36 of the AXIN2 protein (p.Cys36Tyr). The cysteine residue is highly conserved and there is a large physicochemical difference between cysteine and tyrosine.